The following is an entry in ClinVar:

NM_000719.7(CACNA1C):c.1391-17C>G

Gene: CACNA1C (calcium voltage-gated channel subunit alpha1 C; plus strand). Cytogenetic location: 12p13.33.
Variant type: single nucleotide variant.
Coding change: c.1391-17C>G on transcript NM_000719.7 (MANE Select); 17 bases into the intron before coding-DNA position 1391, C replaced by G.
Molecular consequence: intron variant.
Genome position (GRCh38, 1-based): chr12:2,549,926, C>G. VCF-style: chr12-2549926-C-G. GRCh37 (hg19) VCF-style: chr12-2659092-C-G.
Other names: c.1391-17C>G (NM_001167624.3, NM_001167623.2, NM_001167625.2 and 18 more transcripts); c.1382-17C>G (NM_001129844.2).
Identifiers: ClinVar variation 391640 (VCV000391640.1), dbSNP rs1057524174, ClinGen allele CA16606243.

ClinVar aggregate classification (germline): Likely benign (1 of 4 stars; one submission).

Allele frequency attached by ClinVar (database versions not stated): TOPMed below 0.00001.
gnomAD v4.1: 2 of 1,575,780 alleles (0.00013%); highest among the groups gnomAD compares: East Asian, 0.0023%; no homozygotes.

Submission:

GeneDx
Classification: Likely benign. Last evaluated: 2017-11-20. Review status: criteria provided, single submitter. Criteria: GeneDx Variant Classification (06012015). Collection method: clinical testing. Allele origin: germline. Affected: yes.
Comment: This variant is considered likely benign or benign based on one or more of the following criteria: it is a conservative change, it occurs at a poorly conserved position in the protein, it is predicted to be benign by multiple in silico algorithms, and/or has population frequency not consistent with disease.